The following is an entry in ClinVar:

ClinVar aggregate classification (germline): Uncertain significance (1 of 4 stars; one submission).

Conditions:
Inborn genetic diseases. Identifiers: MedGen C0950123, MeSH D030342.

Allele frequency attached by ClinVar (database versions not stated): gnomAD exomes below 0.00001.
gnomAD v4.1: 1 of 1,614,186 alleles (0.000062%); highest among the groups gnomAD compares: Non-Finnish European, 0.000085%; no homozygotes.

Submission:

Ambry Genetics
Classification: Uncertain significance for Inborn genetic diseases. Last evaluated: 2020-09-14. Review status: criteria provided, single submitter. Criteria: Ambry Variant Classification Scheme 2023. Collection method: clinical testing. Allele origin: germline.
Comment: The p.A410V variant (also known as c.1229C>T), located in coding exon 6 of the TRPV4 gene, results from a C to T substitution at nucleotide position 1229. The alanine at codon 410 is replaced by valine, an amino acid with similar properties. This amino acid position is well conserved in available vertebrate species. In addition, the in silico prediction for this alteration is inconclusive. Since supporting evidence is limited at this time, the clinical significance of this alteration remains unclear.

NM_021625.5(TRPV4):c.1229C>T (p.Ala410Val)

Gene: TRPV4 (transient receptor potential cation channel subfamily V member 4; minus strand). Cytogenetic location: 12q24.11.
Variant type: single nucleotide variant.
Coding change: c.1229C>T on transcript NM_021625.5 (MANE Select); coding-DNA position 1229, C replaced by T.
Protein change: p.Ala410Val; replaces alanine 410 with valine.
Molecular consequence: missense variant. On other transcripts: intron variant (2).
Genome position (GRCh38, 1-based): chr12:109,796,628, G>A on the plus strand (C>T on the coding strand, the complement: TRPV4 is on the minus strand). VCF-style: chr12-109796628-G-A. GRCh37 (hg19) VCF-style: chr12-110234433-G-A.
Other names: c.1088C>T, p.Ala363Val (NM_001177428.2); c.1127C>T, p.Ala376Val (NM_001177431.2); c.1011+1986C>T (NM_001177433.1); c.1152+1986C>T (NM_147204.2); short protein forms A376V, A410V, A363V.
Identifiers: ClinVar variation 1754997 (VCV001754997.2), dbSNP rs1890417530, ClinGen allele CA386653745.